The following is an entry in ClinVar:

ClinVar aggregate classification (germline): Uncertain significance. Review status: criteria provided, multiple submitters, no conflicts (2 of 4 stars). 2 submissions from 2 submitters: Uncertain significance (2). Last evaluated 2024-12-02.

Allele frequency attached by ClinVar (database versions not stated): gnomAD exomes below 0.00001 and 0.00001; TOPMed 0.00002; gnomAD 0.00003.
gnomAD v4.1: 14 of 1,601,468 alleles (0.00087%); highest among the groups gnomAD compares: African/African-American, 0.0027%; no homozygotes.

Submissions (2):

Ambry Genetics
Classification: Uncertain significance. Last evaluated: 2024-12-02. Review status: criteria provided, single submitter. Criteria: Ambry Variant Classification Scheme 2023. Collection method: clinical testing. Allele origin: germline.
Comment: The p.M426R variant (also known as c.1277T>G), located in coding exon 12 of the GEN1 gene, results from a T to G substitution at nucleotide position 1277. The methionine at codon 426 is replaced by arginine, an amino acid with similar properties. This amino acid position is conserved. In addition, this alteration is predicted to be tolerated by in silico analysis. Based on the available evidence, the clinical significance of this variant remains unclear.

Labcorp Genetics (formerly Invitae), Labcorp
Classification: Uncertain significance. Last evaluated: 2020-01-31. Review status: criteria provided, single submitter. Criteria: Invitae Variant Classification Sherloc (09022015). Collection method: clinical testing. Allele origin: germline.
Comment: This variant has not been reported in the literature in individuals with GEN1-related conditions. This variant is not present in population databases (ExAC no frequency). This sequence change replaces methionine with arginine at codon 426 of the GEN1 protein (p.Met426Arg). The methionine residue is weakly conserved and there is a moderate physicochemical difference between methionine and arginine. Algorithms developed to predict the effect of missense changes on protein structure and function (SIFT, PolyPhen-2, Align-GVGD) all suggest that this variant is likely to be tolerated, but these predictions have not been confirmed by published functional studies and their clinical significance is uncertain. In summary, the available evidence is currently insufficient to determine the role of this variant in disease. Therefore, it has been classified as a Variant of Uncertain Significance. Algorithms developed to predict the effect of sequence changes on RNA splicing suggest that this variant may create or strengthen a splice site, but this prediction has not been confirmed by published transcriptional studies.

NM_001130009.3(GEN1):c.1277T>G (p.Met426Arg)

Gene: GEN1 (GEN1 structure-specific endonuclease; plus strand). Cytogenetic location: 2p24.2.
Variant type: single nucleotide variant.
Coding change: c.1277T>G on transcript NM_001130009.3 (MANE Select); coding-DNA position 1277, T replaced by G.
Protein change: p.Met426Arg; replaces methionine 426 with arginine.
Molecular consequence: missense variant.
Genome position (GRCh38, 1-based): chr2:17,779,990, T>G. VCF-style: chr2-17779990-T-G. GRCh37 (hg19) VCF-style: chr2-17961257-T-G.
Other names: c.1277T>G, p.Met426Arg (NM_182625.5); c.1277T>G (NM_001130009.1); short protein forms M426R.
Identifiers: ClinVar variation 1004528 (VCV001004528.10), dbSNP rs1207556297, ClinGen allele CA345923607.
Genomic context (GRCh38, chr2:17,779,990, plus strand): 5'-TTTTAAATGCCTAATTAAGGACACTTTGCTGTATTTTTAATCTTTTAGAACATTATGCTA[T>G]GGAAGATAAACAACATGGAGAATTTGCTTTATTAACAATTGAGGAAGAATCATTGTTTGA-3'
Protein context (NP_001123481.3, residues 416-436): IEWEKPEHYA[Met426Arg]EDKQHGEFAL